The following is an entry in ClinVar:

NC_000002.11:g.(?_50723023)_(50850773_?)del

Gene: NRXN1 (neurexin 1; minus strand). Cytogenetic location: 2p16.3.
Variant type: Deletion.
Identifiers: ClinVar variation 1410224 (VCV001410224.7).

ClinVar aggregate classification (germline): Uncertain significance (1 of 4 stars; one submission).

Conditions:
Pitt-Hopkins-like syndrome 2 (PTHSL2). Identifiers: Orphanet 221150, Orphanet 600663, MedGen C3280479, MONDO:0013690, OMIM 614325.

Submission:

Labcorp Genetics (formerly Invitae), Labcorp
Classification: Uncertain significance for Pitt-Hopkins-like syndrome 2. Last evaluated: 2022-09-02. Review status: criteria provided, single submitter. Criteria: Invitae Variant Classification Sherloc (09022015). Collection method: clinical testing. Allele origin: germline.
Comment: This variant has not been reported in the literature in individuals affected with NRXN1-related conditions. This variant is a gross deletion of the genomic region encompassing exon(s) 7-16 of the NRXN1 gene. This variant would be expected to be in-frame, preserving the integrity of the reading frame. Experimental studies and prediction algorithms are not available or were not evaluated, and the functional significance of this variant is currently unknown. In summary, the available evidence is currently insufficient to determine the role of this variant in disease. Therefore, it has been classified as a Variant of Uncertain Significance.